The following is an entry in ClinVar:

NM_000455.5(STK11):c.1216G>A (p.Ala406Thr)

Gene: STK11 (serine/threonine kinase 11; plus strand). Cytogenetic location: 19p13.3.
Variant type: single nucleotide variant.
Coding change: c.1216G>A on transcript NM_000455.5 (MANE Select); coding-DNA position 1216, G replaced by A.
Protein change: p.Ala406Thr; replaces alanine 406 with threonine.
Molecular consequence: missense variant.
Genome position (GRCh38, 1-based): chr19:1,226,561, G>A. VCF-style: chr19-1226561-G-A. GRCh37 (hg19) VCF-style: chr19-1226560-G-A.
Other names: short protein forms A406T.
Identifiers: ClinVar variation 818614 (VCV000818614.15), dbSNP rs1330230723, ClinGen allele CA402953782.

ClinVar aggregate classification (germline): Conflicting classifications of pathogenicity. Review status: criteria provided, conflicting classifications (1 of 4 stars). 5 submissions from 5 submitters: Uncertain significance (4); Benign (1). Last evaluated 2026-01-31.

Conditions:
Hereditary cancer-predisposing syndrome. Also called: Hereditary Cancer Syndrome; Neoplastic Syndromes, Hereditary; Hereditary neoplastic syndrome; Tumor predisposition. Identifiers: Orphanet 140162, MedGen C0027672, MeSH D009386, MONDO:0015356.
Peutz-Jeghers syndrome (PJS). Also called: Peutz-Jeghers polyposis; Periorificial lentiginosis syndrome; POLYPOSIS, HAMARTOMATOUS INTESTINAL; POLYPS-AND-SPOTS SYNDROME. Identifiers: Orphanet 2869, MedGen C0031269, MeSH D010580, MONDO:0008280, OMIM 175200.

gnomAD v4.1: 2 of 1,594,154 alleles (0.00013%); highest among the groups gnomAD compares: Admixed American, 0.0035%; no homozygotes.

Submissions (5):

Labcorp Genetics (formerly Invitae), Labcorp
Classification: Uncertain significance for Peutz-Jeghers syndrome. Last evaluated: 2026-01-31. Review status: criteria provided, single submitter. Criteria: Invitae Variant Classification Sherloc (09022015). Collection method: clinical testing. Allele origin: germline.
Comment: This sequence change replaces alanine, which is neutral and non-polar, with threonine, which is neutral and polar, at codon 406 of the STK11 protein (p.Ala406Thr). This variant is present in population databases (no rsID available, gnomAD 0.007%). This variant has not been reported in the literature in individuals affected with STK11-related conditions. ClinVar contains an entry for this variant (Variation ID: 818614). Invitae Evidence Modeling of protein sequence and biophysical properties (such as structural, functional, and spatial information, amino acid conservation, physicochemical variation, residue mobility, and thermodynamic stability) indicates that this missense variant is not expected to disrupt STK11 protein function with a negative predictive value of 95%. In summary, the available evidence is currently insufficient to determine the role of this variant in disease. Therefore, it has been classified as a Variant of Uncertain Significance.

Women's Health and Genetics/Laboratory Corporation of America, LabCorp
Classification: Uncertain significance. Last evaluated: 2026-01-23. Review status: criteria provided, single submitter. Criteria: LabCorp Variant Classification Summary - May 2015. Collection method: clinical testing. Allele origin: germline.

Ambry Genetics
Classification: Benign for Hereditary cancer-predisposing syndrome. Last evaluated: 2025-09-30. Review status: criteria provided, single submitter. Criteria: Ambry Variant Classification Scheme 2023. Collection method: clinical testing. Allele origin: germline.

GeneDx
Classification: Uncertain significance. Last evaluated: 2024-03-28. Review status: criteria provided, single submitter. Criteria: GeneDx Variant Classification Process June 2021. Collection method: clinical testing. Allele origin: germline. Affected: yes.
Comment: Not observed at significant frequency in large population cohorts (gnomAD); In silico analysis supports that this missense variant does not alter protein structure/function; Has not been previously published as pathogenic or benign to our knowledge; This variant is associated with the following publications: (PMID: 28900777)

MGZ Medical Genetics Center
Classification: Uncertain significance for Peutz-Jeghers syndrome. Last evaluated: 2021-11-24. Review status: criteria provided, single submitter. Criteria: ACMG Guidelines, 2015. Collection method: clinical testing. Allele origin: germline. Affected: yes. Observed: 1 variant allele.
Comment: ACMG criteria applied: PM2_SUP, BP4